The following is an entry in ClinVar:

ClinVar aggregate classification (germline): Uncertain significance (1 of 4 stars; one submission).

Conditions:
Hereditary cancer-predisposing syndrome. Also called: Neoplastic Syndromes, Hereditary; Tumor predisposition; Hereditary neoplastic syndrome; Hereditary Cancer Syndrome. Identifiers: Orphanet 140162, MedGen C0027672, MeSH D009386, MONDO:0015356.

gnomAD v4.1: 1 of 1,614,190 alleles (0.000062%); highest among the groups gnomAD compares: Non-Finnish European, 0.000085%; no homozygotes.

Submission:

Ambry Genetics
Classification: Uncertain significance for Hereditary cancer-predisposing syndrome. Last evaluated: 2026-06-18. Review status: criteria provided, single submitter. Criteria: Ambry Variant Classification Scheme 2023. Collection method: clinical testing. Allele origin: germline.
Comment: The p.E75G variant (also known as c.224A>G), located in coding exon 2 of the PDGFRA gene, results from an A to G substitution at nucleotide position 224. The glutamic acid at codon 75 is replaced by glycine, an amino acid with similar properties. This amino acid position is conserved. In addition, the in silico prediction for this alteration is inconclusive. Based on the available evidence, the clinical significance of this variant remains unclear.

NM_006206.6(PDGFRA):c.224A>G (p.Glu75Gly)

Gene: PDGFRA (platelet derived growth factor receptor alpha; plus strand). Cytogenetic location: 4q12.
Variant type: single nucleotide variant.
Coding change: c.224A>G on transcript NM_006206.6 (MANE Select); coding-DNA position 224, A replaced by G.
Protein change: p.Glu75Gly; replaces glutamic acid 75 with glycine.
Molecular consequence: missense variant.
Genome position (GRCh38, 1-based): chr4:54,261,269, A>G. VCF-style: chr4-54261269-A-G. GRCh37 (hg19) VCF-style: chr4-55127436-A-G.
Other names: c.224A>G, p.Glu75Gly (NM_001347827.2, NM_001347829.2); c.299A>G, p.Glu100Gly (NM_001347828.2); c.263A>G, p.Glu88Gly (NM_001347830.2); short protein forms E88G, E100G, E75G.
Identifiers: ClinVar variation 5026400 (VCV005026400.1).
Genomic context (GRCh38, chr4:54,261,269, plus strand): 5'-TGAGCTGGCAGTACCCCATGTCTGAAGAAGAGAGCTCCGATGTGGAAATCAGAAATGAAG[A>G]AAACAACAGCGGCCTTTTTGTGACGGTCTTGGAAGTGAGCAGTGCCTCGGCGGCCCACAC-3'
Protein context (NP_006197.1, residues 65-85): ESSDVEIRNE[Glu75Gly]NNSGLFVTVL